The following is an entry in ClinVar:

NM_000369.5(TSHR):c.145A>G (p.Ser49Gly)

Genes: CEP128 (centrosomal protein 128; minus strand), TSHR (thyroid stimulating hormone receptor; plus strand). Cytogenetic location: 14q31.1.
Variant type: single nucleotide variant.
Coding change: c.145A>G on transcript NM_000369.5 (MANE Select); coding-DNA position 145, A replaced by G.
Protein change: p.Ser49Gly; replaces serine 49 with glycine.
Molecular consequence: missense variant.
Genome position (GRCh38, 1-based): chr14:80,955,825, A>G. VCF-style: chr14-80955825-A-G. GRCh37 (hg19) VCF-style: chr14-81422169-A-G.
Other names: c.145A>G (NM_000369.2); c.145A>G, p.Ser49Gly (NM_001018036.3, NM_001142626.3); short protein forms S49G.
Identifiers: ClinVar variation 135391 (VCV000135391.7), dbSNP rs147137913, ClinGen allele CA162625.

ClinVar aggregate classification (germline): Conflicting classifications of pathogenicity. Review status: criteria provided, conflicting classifications (1 of 4 stars). 4 submissions from 4 submitters: Uncertain significance (1); Likely benign (2). 1 of the submissions does not count toward it. Last evaluated 2026-01-28.

Conditions:
TSHR-related disorder. Also called: TSHR-related condition; TSHR-related disorders.

Allele frequency attached by ClinVar (database versions not stated): gnomAD exomes 0.00015; ExAC 0.00019; gnomAD 0.00050 and 0.00058; TOPMed 0.00058; ESP Exome Variant Server 0.00085.
gnomAD v4.1: 176 of 1,614,078 alleles (0.011%); highest among the groups gnomAD compares: African/African-American, 0.18%; no homozygotes.

Submissions (4):

Labcorp Genetics (formerly Invitae), Labcorp
Classification: Likely benign. Last evaluated: 2026-01-28. Review status: criteria provided, single submitter. Criteria: Invitae Variant Classification Sherloc (09022015). Collection method: clinical testing. Allele origin: germline.

PreventionGenetics, part of Exact Sciences
Classification: Likely benign for TSHR-related condition. Last evaluated: 2025-07-29. Review status: criteria provided, single submitter. Criteria: ACMG Guidelines, 2015. Collection method: clinical testing. Allele origin: germline.
Comment: This variant is classified as likely benign based on ACMG/AMP sequence variant interpretation guidelines (Richards et al. 2015 PMID: 25741868, with internal and published modifications).

GeneDx
Classification: Uncertain significance. Last evaluated: 2024-01-19. Review status: criteria provided, single submitter. Criteria: GeneDx Variant Classification Process June 2021. Collection method: clinical testing. Allele origin: germline. Affected: yes.
Comment: In silico analysis supports that this missense variant does not alter protein structure/function; Has not been previously published as pathogenic or benign to our knowledge

ITMI
No classification provided. Condition: AllHighlyPenetrant. Last evaluated: 2013-09-19. Review status: no classification provided. Collection method: reference population. Allele origin: germline. Not counted in ClinVar's aggregate classification.
Comment: Please see associated publication for description of ethnicities

Literature cited by the submitters: PubMed 24728327 (cited by ITMI).